The following is an entry in ClinVar:

ClinVar aggregate classification (germline): Likely benign (1 of 4 stars; one submission).

Conditions:
Holocarboxylase synthetase deficiency. Also called: MULTIPLE CARBOXYLASE DEFICIENCY, EARLY ONSET. Identifiers: Orphanet 79242, MedGen C0268581, MONDO:0009666, OMIM 253270.

Allele frequency attached by ClinVar (database versions not stated): gnomAD 0.00024 and 0.00033; TOPMed 0.00037; 1000 Genomes Project 30x 0.00172; 1000 Genomes Project 0.00200.
gnomAD v4.1: 49 of 152,746 alleles (0.032%); highest among the groups gnomAD compares: East Asian, 0.93%; no homozygotes.

Submission:

Illumina Laboratory Services, Illumina
Classification: Likely benign for Holocarboxylase synthetase deficiency. Last evaluated: 2018-01-12. Review status: criteria provided, single submitter. Criteria: ICSL Variant Classification Criteria 13 December 2019. Collection method: clinical testing. Allele origin: germline.
Comment: This variant was observed in the ICSL laboratory as part of a predisposition screen in an ostensibly healthy population. It had not been previously curated by ICSL or reported in the Human Gene Mutation Database (HGMD: prior to June 1st, 2018), and was therefore a candidate for classification through an automated scoring system. Utilizing variant allele frequency, disease prevalence and penetrance estimates, and inheritance mode, an automated score was calculated to assess if this variant is too frequent to cause the disease. Based on the score and internal cut-off values, a variant classified as likely benign is not then subjected to further curation. The score for this variant resulted in a classification of likely benign for this disease.

NM_001352514.2(HLCS):c.*1324T>C

Gene: HLCS (holocarboxylase synthetase; minus strand). Cytogenetic location: 21q22.13.
Variant type: single nucleotide variant.
Coding change: c.*1324T>C on transcript NM_001352514.2 (MANE Select); 1324 bases downstream of the stop codon, T replaced by C.
Molecular consequence: 3 prime UTR variant. On other transcripts: non-coding transcript variant (2).
Genome position (GRCh38, 1-based): chr21:36,752,922, A>G on the plus strand (T>C on the coding strand, the complement: HLCS is on the minus strand). VCF-style: chr21-36752922-A-G. GRCh37 (hg19) VCF-style: chr21-38125223-A-G.
Other names: c.*1324T>C (NM_000411.8, NM_001242784.3, NM_001242785.2 and 4 more transcripts).
Identifiers: ClinVar variation 339942 (VCV000339942.5), dbSNP rs141644229, ClinGen allele CA10652952.
Genomic context (GRCh38, chr21:36,752,922, plus strand): 5'-TAGTTTACAATGAAGGGATTTTGTTCAAAGCTGAAAGCTCCATCAAACTTTCTTTCCACT[A>G]ATTTCAGCTGGGACTGGAAGAGAGAAAACTGGACAAAAATTGGCCTTTTAAAAAGCTGAA-3'